The following is an entry in ClinVar:

ClinVar aggregate classification (germline): Benign (1 of 4 stars; one submission).

Allele frequency attached by ClinVar (database versions not stated): 1000 Genomes Project 30x 0.61321; 1000 Genomes Project 0.61502; TOPMed 0.71705; gnomAD 0.73468 and 0.73564.
gnomAD v4.1: 112,086 of 152,178 alleles (74%); highest among the groups gnomAD compares: Non-Finnish European, 88%; 44,418 homozygotes.

Submission:

GeneDx
Classification: Benign. Last evaluated: 2018-06-14. Review status: criteria provided, single submitter. Criteria: GeneDx Variant Classification (06012015). Collection method: clinical testing. Allele origin: germline. Affected: yes.
Comment: This variant is considered likely benign or benign based on one or more of the following criteria: it is a conservative change, it occurs at a poorly conserved position in the protein, it is predicted to be benign by multiple in silico algorithms, and/or has population frequency not consistent with disease.

NM_004553.6(NDUFS6):c.187-307G>A

Gene: NDUFS6 (NADH:ubiquinone oxidoreductase subunit S6; plus strand). Cytogenetic location: 5p15.33.
Variant type: single nucleotide variant.
Coding change: c.187-307G>A on transcript NM_004553.6 (MANE Select); 307 bases into the intron before coding-DNA position 187, G replaced by A.
Molecular consequence: intron variant.
Genome position (GRCh38, 1-based): chr5:1,814,032, G>A. VCF-style: chr5-1814032-G-A. GRCh37 (hg19) VCF-style: chr5-1814146-G-A.
Identifiers: ClinVar variation 683112 (VCV000683112.1), dbSNP rs4147772, ClinGen allele CA15383919.